The following is an entry in ClinVar:

ClinVar aggregate classification (germline): Uncertain significance (1 of 4 stars; one submission).

Submission:

Ambry Genetics
Classification: Uncertain significance. Last evaluated: 2024-07-17. Review status: criteria provided, single submitter. Criteria: Ambry Variant Classification Scheme 2023. Collection method: clinical testing. Allele origin: germline.
Comment: The p.S1259R variant (also known as c.3777C>A), located in coding exon 4 of the ALPK2 gene, results from a C to A substitution at nucleotide position 3777. The serine at codon 1259 is replaced by arginine, an amino acid with dissimilar properties. This amino acid position is conserved. In addition, this alteration is predicted to be tolerated by in silico analysis. Based on the available evidence, the clinical significance of this variant remains unclear.

NM_052947.4(ALPK2):c.3777C>A (p.Ser1259Arg)

Genes: ALPK2 (alpha kinase 2; minus strand), LOC126862764 (BRD4-independent group 4 enhancer GRCh37_chr18:56202574-56203773; plus strand). Cytogenetic location: 18q21.31.
Variant type: single nucleotide variant.
Coding change: c.3777C>A on transcript NM_052947.4 (MANE Select); coding-DNA position 3777, C replaced by A.
Protein change: p.Ser1259Arg; replaces serine 1259 with arginine.
Molecular consequence: missense variant.
Genome position (GRCh38, 1-based): chr18:58,536,410, G>T on the plus strand (C>A on the coding strand, the complement: ALPK2 is on the minus strand). VCF-style: chr18-58536410-G-T. GRCh37 (hg19) VCF-style: chr18-56203642-G-T.
Other names: short protein forms S1259R.
Identifiers: ClinVar variation 3530811 (VCV003530811.1).